The following is an entry in ClinVar:

ClinVar aggregate classification (germline): Pathogenic. Review status: criteria provided, multiple submitters, no conflicts (2 of 4 stars). 2 submissions from 2 submitters: Pathogenic (2). Last evaluated 2024-05-09.

Conditions:
Leber congenital amaurosis (LCA). Also called: Leber's amaurosis. Identifiers: Orphanet 65, MedGen C0339527, MeSH D057130, MONDO:0018998.
Leber congenital amaurosis 13 (LCA13). Identifiers: MedGen C2675186, MONDO:0012990, OMIM 612712.

Submissions (2):

Natera, Inc.
Classification: Pathogenic for Leber congenital amaurosis. Last evaluated: 2024-05-09. Review status: criteria provided, single submitter. Criteria: Natera Variant Classification Schema (03/2026). Collection method: clinical testing. Allele origin: germline.
Comment: The c.784dupG variant in RDH12 is a frameshift variant predicted to shift the reading frame beginning at codon 262 and leads to a stop codon 11 codons downstream. This variant is expected to result in nonsense mediated decay, truncation, or a dysfunctional protein product. This variant is rare in the general population with a frequency below the threshold expected for the associated phenotype(s). This variant has been observed in one or more individuals affected with the associated recessive disease, as either homozygous or compound heterozygous with a second variant (PMID: 25561519). Given the available evidence, this variant is classified as Pathogenic.

Labcorp Genetics (formerly Invitae), Labcorp
Classification: Pathogenic for Leber congenital amaurosis 13. Last evaluated: 2023-06-28. Review status: criteria provided, single submitter. Criteria: Invitae Variant Classification Sherloc (09022015). Collection method: clinical testing. Allele origin: germline.
Comment: For these reasons, this variant has been classified as Pathogenic. This variant disrupts a region of the RDH12 protein in which other variant(s) (p.Arg295*) have been determined to be pathogenic (PMID: 16269441, 22065924, 26047050). This suggests that this is a clinically significant region of the protein, and that variants that disrupt it are likely to be disease-causing. ClinVar contains an entry for this variant (Variation ID: 648633). This premature translational stop signal has been observed in individual(s) with autosomal recessive Leber congenital amaurosis (PMID: 25561519). It has also been observed to segregate with disease in related individuals. This variant is not present in population databases (gnomAD no frequency). This sequence change creates a premature translational stop signal (p.Ala262Glyfs*11) in the RDH12 gene. While this is not anticipated to result in nonsense mediated decay, it is expected to disrupt the last 55 amino acid(s) of the RDH12 protein.

Literature cited by the submitters: PubMed 25561519 (cited by Natera, Inc. and Labcorp Genetics (formerly Invitae), Labcorp); PubMed 16269441 (cited by Labcorp Genetics (formerly Invitae), Labcorp); PubMed 22065924 (cited by Labcorp Genetics (formerly Invitae), Labcorp); PubMed 26047050 (cited by Labcorp Genetics (formerly Invitae), Labcorp).

NM_152443.3(RDH12):c.784dup (p.Ala262fs)

Genes: GPHN (gephyrin; plus strand), RDH12 (retinol dehydrogenase 12; plus strand), ZFYVE26 (zinc finger FYVE-type containing 26; minus strand). Cytogenetic location: 14q24.1.
Variant type: Duplication.
Coding change: c.784dup on transcript NM_152443.3 (MANE Select); coding-DNA position 784, one base duplicated (G; older notation c.784dupG).
Protein change: p.Ala262fs; shifts the reading frame from alanine 262.
Molecular consequence: frameshift variant.
Genome position (GRCh38, 1-based): chr14:67,729,316, G duplicated; the last of 5 consecutive G bases (chr14:67,729,312-67,729,316); duplicating any one gives the same sequence. VCF-style (leftmost placement, unchanged base first): chr14-67729311-A-AG. GRCh37 (hg19) VCF-style: chr14-68196028-A-AG.
Other names: c.784dupG (NM_152443.2); short protein forms A262fs.
Identifiers: ClinVar variation 648633 (VCV000648633.12), dbSNP rs1594867551, ClinGen allele CA915948926.
Genomic context (GRCh38, chr14:67,729,311, plus strand): 5'-ACTCCTCCCTGCTCTGCCTGCTCTGGCGGCTCTTCTCCCCCTTTGTCAAGACGGCACGGG[A>AG]GGGGGCGCAGACCAGCCTGCACTGCGCCCTGGCTGAGGGCCTGGAGCCCCTGAGTGGCAA-3'